The following is an entry in ClinVar:

ClinVar aggregate classification (germline): Likely benign (1 of 4 stars; one submission).

Submission:

CeGaT Center for Human Genetics Tuebingen
Classification: Likely benign. Last evaluated: 2025-10-01. Review status: criteria provided, single submitter. Criteria: CeGaT Center For Human Genetics Tuebingen Variant Classification Criteria Version 2. Collection method: clinical testing. Allele origin: germline. Affected: yes. Observed: 1 variant allele.
Comment: PRAMEF11: BP4, BP7

NM_001146344.3(PRAMEF11):c.747C>T (p.Tyr249=)

Gene: PRAMEF11 (PRAME family member 11; minus strand). Cytogenetic location: 1p36.21.
Variant type: single nucleotide variant.
Coding change: c.747C>T on transcript NM_001146344.3 (MANE Select); coding-DNA position 747, C replaced by T.
Protein change: p.Tyr249=; no amino-acid change (tyrosine 249 retained).
Molecular consequence: synonymous variant.
Genome position (GRCh38, 1-based): chr1:12,827,377, G>A on the plus strand (C>T on the coding strand, the complement: PRAMEF11 is on the minus strand). VCF-style: chr1-12827377-G-A. GRCh37 (hg19) VCF-style: chr1-12887236-G-A.
Identifiers: ClinVar variation 4533804 (VCV004533804.6).